The following is an entry in ClinVar:

NM_001366900.1(TTC21A):c.2394C>T (p.Leu798=)

Gene: TTC21A (tetratricopeptide repeat domain 21A; plus strand). Cytogenetic location: 3p22.2.
Variant type: single nucleotide variant.
Coding change: c.2394C>T on transcript NM_001366900.1 (MANE Select); coding-DNA position 2394, C replaced by T.
Protein change: p.Leu798=; no amino-acid change (leucine 798 retained).
Molecular consequence: synonymous variant. On other transcripts: non-coding transcript variant (3).
Genome position (GRCh38, 1-based): chr3:39,130,775, C>T. VCF-style: chr3-39130775-C-T. GRCh37 (hg19) VCF-style: chr3-39172266-C-T.
Other names: c.2271C>T, p.Leu757= (NM_001105513.3); c.2418C>T, p.Leu806= (NM_001366899.1); c.2415C>T, p.Leu805= (NM_145755.3).
Identifiers: ClinVar variation 4533913 (VCV004533913.6).
Genomic context (GRCh38, chr3:39,130,775, plus strand): 5'-TGAGGCTGCCCAGAAGATTAATGGACAGGACTTTCTGTGCTGCGATCTGGGCAAACTGCT[C>T]CTGAAGTTAAAGAAGGTCAATAAAGCAGAAAAAGTTTTGAAGCAGGCACTGGAACATGAC-3'
Protein context (NP_001353829.1, residues 788-808): DFLCCDLGKL[Leu798=]LKLKKVNKAE

ClinVar aggregate classification (germline): Likely benign (1 of 4 stars; one submission).

gnomAD v4.1: 228 of 1,614,006 alleles (0.014%); highest among the groups gnomAD compares: Non-Finnish European, 0.018%; no homozygotes.

Submission:

CeGaT Center for Human Genetics Tuebingen
Classification: Likely benign. Last evaluated: 2025-11-01. Review status: criteria provided, single submitter. Criteria: CeGaT Center For Human Genetics Tuebingen Variant Classification Criteria Version 2. Collection method: clinical testing. Allele origin: germline. Affected: yes. Observed: 1 variant allele.
Comment: TTC21A: BP4, BP7